The following is an entry in ClinVar:

ClinVar aggregate classification (germline): Uncertain significance (1 of 4 stars; one submission).

Conditions:
Hyperinsulinemic hypoglycemia, familial, 1 (HHF1). Also called: Persistent hyperinsulinemic hypoglycemia of infancy; HYPERINSULINISM, FAMILIAL, WITH PANCREATIC NESIDIOBLASTOSIS; HYPOGLYCEMIA, HYPERINSULINEMIC, OF INFANCY; NESIDIOBLASTOSIS OF PANCREAS; Persistent Hyperinsulinemia Hypoglycemia of Infancy. Identifiers: Orphanet 276575, Orphanet 276598, MedGen C2931832, MONDO:0009734, OMIM 256450.

Submission:

Myriad Genetics, Inc.
Classification: Uncertain significance for Hyperinsulinemic hypoglycemia, familial, 1. Last evaluated: 2026-01-15. Review status: criteria provided, single submitter. Criteria: Myriad Autosomal Dominant, Autosomal Recessive and X-Linked Classification Criteria (2023). Collection method: clinical testing. Allele origin: unknown.
Comment: NM_000352.3(ABCC8):c.235_237delTTC(F79del) is an in-frame deletion classified as a variant of uncertain significance in the context of familial hyperinsulinism, ABCC8-related. F79del has not been observed in cases with relevant disease. Relevant functional assessments of this variant are not available in the literature. F79del has not been observed in referenced population frequency databases. In summary, there is insufficient evidence to classify NM_000352.3(ABCC8):c.235_237delTTC(F79del) as pathogenic or benign. Please note: this variant was assessed in the context of healthy population screening.

NM_000352.6(ABCC8):c.235_237del (p.Phe79del)

Gene: ABCC8 (ATP binding cassette subfamily C member 8; minus strand). Cytogenetic location: 11p15.1.
Variant type: Deletion.
Coding change: c.235_237del on transcript NM_000352.6 (MANE Select); coding-DNA positions 235 to 237, 3 bases deleted (TTC; older notation c.235_237delTTC).
Protein change: p.Phe79del; deletes phenylalanine 79.
Molecular consequence: inframe deletion. On other transcripts: non-coding transcript variant (1).
Genome position (GRCh38, 1-based): chr11:17,474,939-17,474,941, GAA deleted on the plus strand (TTC on the coding strand, the reverse complement: ABCC8 is on the minus strand); deleting any 3 consecutive bases within chr11:17,474,939-17,474,942 gives the same sequence; the c. name uses the placement nearest the transcript's 3' end. VCF-style (leftmost placement, unchanged base first): chr11-17474938-TGAA-T. GRCh37 (hg19) VCF-style: chr11-17496485-TGAA-T.
Other names: c.235_237del, p.Phe79del (NM_001287174.3, NM_001351295.2, NM_001351296.2 and 1 more transcripts); short protein forms F79del.
Identifiers: ClinVar variation 5004398 (VCV005004398.1).